The following is an entry in ClinVar:

NM_000361.3(THBD):c.1372C>T (p.Leu458Phe)

Gene: THBD (thrombomodulin; minus strand). Cytogenetic location: 20p11.21.
Variant type: single nucleotide variant.
Coding change: c.1372C>T on transcript NM_000361.3 (MANE Select); coding-DNA position 1372, C replaced by T.
Protein change: p.Leu458Phe; replaces leucine 458 with phenylalanine.
Molecular consequence: missense variant.
Genome position (GRCh38, 1-based): chr20:23,048,133, G>A on the plus strand (C>T on the coding strand, the complement: THBD is on the minus strand). VCF-style: chr20-23048133-G-A. GRCh37 (hg19) VCF-style: chr20-23028770-G-A.
Other names: short protein forms L458F.
Identifiers: ClinVar variation 2980200 (VCV002980200.4), dbSNP rs1013876326, ClinGen allele CA313550737.
Genomic context (GRCh38, chr20:23,048,133, plus strand): 5'-TGCCAATGTGGCGGGCAAGGGCCGAGTCGGGCCCGCAGATGCACTCGAAGGTACCGGGGA[G>A]GTTGTGGCACACCCCGGAGCAGAAGCCGCCGTTTTCGCACTCGTCGATGTCCGTGCAGAT-3'
Protein context (NP_000352.1, residues 448-468): GGFCSGVCHN[Leu458Phe]PGTFECICGP

ClinVar aggregate classification (germline): Uncertain significance. Review status: criteria provided, multiple submitters, no conflicts (2 of 4 stars). 2 submissions from 2 submitters: Uncertain significance (2). Last evaluated 2025-10-01.

Conditions:
Atypical hemolytic-uremic syndrome with thrombomodulin anomaly. Also called: HEMOLYTIC UREMIC SYNDROME, ATYPICAL, SUSCEPTIBILITY TO, 6; AHUS, SUSCEPTIBILITY TO, 6. Identifiers: MedGen C2752036, MONDO:0013044, OMIM 612926. Disease mechanism: gain of function.
Thrombomodulin-related bleeding disorder (THPH12). Also called: Thrombophilia due to thrombomodulin defect. Identifiers: Orphanet 436169, MedGen C3280976, MONDO:0013775, OMIM 614486.

Allele frequency attached by ClinVar (database versions not stated): gnomAD 0.00001; TOPMed 0.00002.
gnomAD v4.1: 4 of 1,613,578 alleles (0.00025%); highest among the groups gnomAD compares: African/African-American, 0.0053%; no homozygotes.

Submissions (2):

Labcorp Genetics (formerly Invitae), Labcorp
Classification: Uncertain significance. Last evaluated: 2025-10-01. Review status: criteria provided, single submitter. Criteria: Invitae Variant Classification Sherloc (09022015). Collection method: clinical testing. Allele origin: germline.
Comment: This sequence change replaces leucine, which is neutral and non-polar, with phenylalanine, which is neutral and non-polar, at codon 458 of the THBD protein (p.Leu458Phe). This variant is present in population databases (no rsID available, gnomAD 0.007%). This variant has not been reported in the literature in individuals affected with THBD-related conditions. ClinVar contains an entry for this variant (Variation ID: 2980200). Invitae Evidence Modeling of protein sequence and biophysical properties (such as structural, functional, and spatial information, amino acid conservation, physicochemical variation, residue mobility, and thermodynamic stability) indicates that this missense variant is not expected to disrupt THBD protein function with a negative predictive value of 80%. In summary, the available evidence is currently insufficient to determine the role of this variant in disease. Therefore, it has been classified as a Variant of Uncertain Significance.

Fulgent Genetics
Classification: Uncertain significance for Atypical hemolytic-uremic syndrome with thrombomodulin anomaly; Thrombomodulin-related bleeding disorder. Last evaluated: 2024-01-10. Review status: criteria provided, single submitter. Criteria: ACMG Guidelines, 2015. Collection method: clinical testing. Allele origin: germline.